The following is an entry in ClinVar:

NM_000026.4(ADSL):c.319C>T (p.His107Tyr)

Gene: ADSL (adenylosuccinate lyase; plus strand). Cytogenetic location: 22q13.1.
Variant type: single nucleotide variant.
Coding change: c.319C>T on transcript NM_000026.4 (MANE Select); coding-DNA position 319, C replaced by T.
Protein change: p.His107Tyr; replaces histidine 107 with tyrosine.
Molecular consequence: missense variant. On other transcripts: non-coding transcript variant (1).
Genome position (GRCh38, 1-based): chr22:40,349,997, C>T. VCF-style: chr22-40349997-C-T. GRCh37 (hg19) VCF-style: chr22-40746001-C-T.
Other names: c.319C>T, p.His107Tyr (NM_001123378.3, NM_001363840.3); c.127C>T, p.His43Tyr (NM_001317923.2); short protein forms H107Y, H43Y.
Identifiers: ClinVar variation 1063845 (VCV001063845.9), dbSNP rs2146623366, ClinGen allele CA411635272.

ClinVar aggregate classification (germline): Uncertain significance (1 of 4 stars; one submission).

Conditions:
Adenylosuccinate lyase deficiency (ADSLD). Also called: ADSL DEFICIENCY. Identifiers: Orphanet 46, MedGen C0268126, MONDO:0007068, OMIM 103050.

Submission:

Labcorp Genetics (formerly Invitae), Labcorp
Classification: Uncertain significance for Adenylosuccinate lyase deficiency. Last evaluated: 2020-05-04. Review status: criteria provided, single submitter. Criteria: Invitae Variant Classification Sherloc (09022015). Collection method: clinical testing. Allele origin: germline.
Comment: This sequence change replaces histidine with tyrosine at codon 107 of the ADSL protein (p.His107Tyr). The histidine residue is highly conserved and there is a moderate physicochemical difference between histidine and tyrosine. This variant is not present in population databases (ExAC no frequency). This variant has not been reported in the literature in individuals with ADSL-related conditions. Algorithms developed to predict the effect of missense changes on protein structure and function (SIFT, PolyPhen-2, Align-GVGD) all suggest that this variant is likely to be disruptive, but these predictions have not been confirmed by published functional studies and their clinical significance is uncertain. In summary, the available evidence is currently insufficient to determine the role of this variant in disease. Therefore, it has been classified as a Variant of Uncertain Significance.